The following is an entry in ClinVar:

NM_006073.4(TRDN):c.1017T>G (p.Ser339Arg)

Gene: TRDN (triadin; minus strand). Cytogenetic location: 6q22.31.
Variant type: single nucleotide variant.
Coding change: c.1017T>G on transcript NM_006073.4 (MANE Select); coding-DNA position 1017, T replaced by G.
Protein change: p.Ser339Arg; replaces serine 339 with arginine.
Molecular consequence: missense variant.
Genome position (GRCh38, 1-based): chr6:123,438,097, A>C on the plus strand (T>G on the coding strand, the complement: TRDN is on the minus strand). VCF-style: chr6-123438097-A-C. GRCh37 (hg19) VCF-style: chr6-123759242-A-C.
Other names: c.1020T>G, p.Ser340Arg (NM_001251987.2); c.960T>G, p.Ser320Arg (NM_001407315.1); short protein forms S339R, S320R, S340R.
Identifiers: ClinVar variation 3461001 (VCV003461001.1).

ClinVar aggregate classification (germline): Uncertain significance (1 of 4 stars; one submission).

Conditions:
Cardiovascular phenotype. Identifiers: MedGen CN230736.

Submission:

Ambry Genetics
Classification: Uncertain significance for Cardiovascular phenotype. Last evaluated: 2024-09-30. Review status: criteria provided, single submitter. Criteria: Ambry Variant Classification Scheme 2023. Collection method: clinical testing. Allele origin: germline.
Comment: The p.S339R variant (also known as c.1017T>G), located in coding exon 12 of the TRDN gene, results from a T to G substitution at nucleotide position 1017. The serine at codon 339 is replaced by arginine, an amino acid with dissimilar properties. This amino acid position is conserved. In addition, this alteration is predicted to be tolerated by in silico analysis. Based on the available evidence, the clinical significance of this variant remains unclear.